The following is an entry in ClinVar:

ClinVar aggregate classification (germline): Conflicting classifications of pathogenicity. Review status: criteria provided, conflicting classifications (1 of 4 stars). 11 submissions from 9 submitters: Uncertain significance (10); Likely benign (1). Last evaluated 2025-11-13.

Conditions:
Joubert syndrome 32 (JBTS32). Identifiers: MedGen C4540342, MONDO:0033309, OMIM 617757.
Medulloblastoma (MDB). Also called: Medulloblastoma, somatic; MEDULLOBLASTOMA PREDISPOSITION SYNDROME. Identifiers: Orphanet 616, MedGen C0025149, MeSH D008527, MONDO:0007959, OMIM 155255, HP:0002885.
Basal cell nevus syndrome 2 (BCNS2). Also called: NEVOID BASAL CELL CARCINOMA SYNDROME 2. Identifiers: MedGen C5830451, MONDO:0958189, OMIM 620343.
Familial meningioma. Also called: Meningioma, familial, susceptibility to. Identifiers: Orphanet 263662, MedGen C3551915, MONDO:0011789, OMIM 607174.
SUFU-related disorder. Also called: SUFU-related condition; SUFU-related disorders.
Gorlin syndrome. Also called: Nevoid Basal Cell Carcinoma Syndrome; Basal cell nevus syndrome. Identifiers: Orphanet 377, MedGen C0004779, MONDO:0007187.
Hereditary cancer-predisposing syndrome. Also called: Neoplastic Syndromes, Hereditary; Tumor predisposition; Hereditary Cancer Syndrome; Hereditary neoplastic syndrome. Identifiers: Orphanet 140162, MedGen C0027672, MeSH D009386, MONDO:0015356.

Allele frequency attached by ClinVar (database versions not stated): ExAC 0.00002; gnomAD 0.00002; gnomAD exomes 0.00002; TOPMed 0.00003.
gnomAD v4.1: 18 of 1,614,076 alleles (0.0011%); highest among the groups gnomAD compares: Middle Eastern, 0.049%; no homozygotes.

Submissions (11):

Labcorp Genetics (formerly Invitae), Labcorp
Classification: Uncertain significance for Gorlin syndrome; Medulloblastoma. Last evaluated: 2025-11-13. Review status: criteria provided, single submitter. Criteria: Invitae Variant Classification Sherloc (09022015). Collection method: clinical testing. Allele origin: germline.
Comment: This sequence change replaces serine, which is neutral and polar, with threonine, which is neutral and polar, at codon 92 of the SUFU protein (p.Ser92Thr). The frequency data for this variant in the population databases is considered unreliable, as metrics indicate poor data quality at this position in the gnomAD database. This variant has not been reported in the literature in individuals affected with SUFU-related conditions. ClinVar contains an entry for this variant (Variation ID: 406392). Invitae Evidence Modeling of protein sequence and biophysical properties (such as structural, functional, and spatial information, amino acid conservation, physicochemical variation, residue mobility, and thermodynamic stability) indicates that this missense variant is not expected to disrupt SUFU protein function with a negative predictive value of 80%. In summary, the available evidence is currently insufficient to determine the role of this variant in disease. Therefore, it has been classified as a Variant of Uncertain Significance.

PreventionGenetics, part of Exact Sciences
Classification: Uncertain significance for SUFU-related condition. Last evaluated: 2025-09-19. Review status: criteria provided, single submitter. Criteria: ACMG Guidelines, 2015. Collection method: clinical testing. Allele origin: germline.
Comment: The SUFU c.275G>C variant is predicted to result in the amino acid substitution p.Ser92Thr. To our knowledge, this variant has not been reported in the literature. This variant is reported in 0.0080% of alleles in individuals of African descent in gnomAD. At this time, the clinical significance of this variant is uncertain due to the absence of conclusive functional and genetic evidence.

Quest Diagnostics Nichols Institute San Juan Capistrano
Classification: Uncertain significance. Last evaluated: 2025-06-19. Review status: criteria provided, single submitter. Criteria: Quest Diagnostics criteria. Collection method: clinical testing. Allele origin: unknown.
Comment: The SUFU c.275G>C (p.Ser92Thr) variant has not been reported in individuals with SUFU-related conditions in the published literature. The frequency of this variant in the general population (Genome Aggregation Database) is uninformative in the assessment of its pathogenicity. Analysis of this variant using bioinformatics tools for the prediction of the effect of amino acid changes on protein structure and function yielded conflicting predictions that this variant is deleterious or benign. Based on the available information, we are unable to determine the clinical significance of this variant.

Blueprint Genetics
Classification: Uncertain significance. Last evaluated: 2024-05-31. Review status: criteria provided, single submitter. Criteria: ACMG Guidelines, 2015. Collection method: clinical testing. Allele origin: germline.

Fulgent Genetics
Classification: Uncertain significance for Medulloblastoma; Familial meningioma; Joubert syndrome 32; Basal cell nevus syndrome 2. Last evaluated: 2024-03-28. Review status: criteria provided, single submitter. Criteria: ACMG Guidelines, 2015. Collection method: clinical testing. Allele origin: germline.

GeneDx
Classification: Uncertain significance. Last evaluated: 2024-03-28. Review status: criteria provided, single submitter. Criteria: GeneDx Variant Classification Process June 2021. Collection method: clinical testing. Allele origin: germline.
Comment: In silico analysis supports that this missense variant does not alter protein structure/function; Has not been previously published as pathogenic or benign to our knowledge; This variant is associated with the following publications: (PMID: 24311597)

Baylor Genetics
Classification: Uncertain significance for Familial meningioma. Last evaluated: 2024-02-22. Review status: criteria provided, single submitter. Criteria: ACMG Guidelines, 2015. Collection method: clinical testing. Allele origin: unknown.

Ambry Genetics
Classification: Likely benign for Hereditary cancer-predisposing syndrome. Last evaluated: 2023-06-20. Review status: criteria provided, single submitter. Criteria: Ambry Variant Classification Scheme 2023. Collection method: clinical testing. Allele origin: germline.

Sema4
Classification: Uncertain significance for Hereditary cancer-predisposing syndrome. Last evaluated: 2021-07-23. Review status: criteria provided, single submitter. Criteria: Sema4 Curation Guidelines. Collection method: curation. Allele origin: germline.
Comment: The SUFU c.275G>C (p.S92T) variant has not been reported in the literature to our knowledge. It was observed in 7/280458 chromosomes in the large and broad cohorts of the Genome Aggregation Database (PMID: 32461654) and has been reported in ClinVar (Variation ID 406392). Functional studies have not been performed, and in silico predictions of the variant's effect on protein function are inconclusive. The evidence is insufficient to meet ACMG/AMP criteria for classifying the variant as benign or pathogenic. Thus, the clinical significance of this variant is currently uncertain.

Baylor Genetics
Classification: Uncertain significance for Basal cell nevus syndrome 1. Last evaluated: 2020-08-27. Review status: criteria provided, single submitter. Criteria: ACMG Guidelines, 2015. Collection method: clinical testing. Allele origin: maternal. Affected: yes. Study: CSER-TexasKidsCanSeq.
Comment: This variant was determined to be of uncertain significance according to ACMG Guidelines, 2015 [PMID:25741868].

Fulgent Genetics
Classification: Uncertain significance for Basal cell nevus syndrome 1; Medulloblastoma; Familial meningioma; Joubert syndrome 32. Last evaluated: 2018-10-31. Review status: criteria provided, single submitter. Criteria: ACMG Guidelines, 2015. Collection method: clinical testing. Allele origin: unknown.

NM_016169.4(SUFU):c.275G>C (p.Ser92Thr)

Gene: SUFU (SUFU negative regulator of hedgehog signaling; plus strand). Cytogenetic location: 10q24.32.
Variant type: single nucleotide variant.
Coding change: c.275G>C on transcript NM_016169.4 (MANE Select); coding-DNA position 275, G replaced by C.
Protein change: p.Ser92Thr; replaces serine 92 with threonine.
Molecular consequence: missense variant.
Genome position (GRCh38, 1-based): chr10:102,509,261, G>C. VCF-style: chr10-102509261-G-C. GRCh37 (hg19) VCF-style: chr10-104269018-G-C.
Other names: c.275G>C, p.Ser92Thr (NM_001178133.2); short protein forms S92T.
Identifiers: ClinVar variation 406392 (VCV000406392.30), dbSNP rs746322193, ClinGen allele CA5667641.